The following is an entry in ClinVar:

ClinVar aggregate classification (germline): Pathogenic. Review status: criteria provided, multiple submitters, no conflicts (2 of 4 stars). 2 submissions from 2 submitters: Pathogenic (2). Last evaluated 2024-03-03.

Conditions:
Episodic kinesigenic dyskinesia (EKD). Also called: Paroxysmal kinesigenic dyskinesia. Identifiers: Orphanet 98809, MedGen C1868682, MONDO:0044202.

Submissions (2):

Labcorp Genetics (formerly Invitae), Labcorp
Classification: Pathogenic for Episodic kinesigenic dyskinesia. Last evaluated: 2024-03-03. Review status: criteria provided, single submitter. Criteria: Invitae Variant Classification Sherloc (09022015). Collection method: clinical testing. Allele origin: germline.
Comment: This sequence change creates a premature translational stop signal (p.Glu10*) in the PRRT2 gene. It is expected to result in an absent or disrupted protein product. Loss-of-function variants in PRRT2 are known to be pathogenic (PMID: 22623405, 22744660). This variant is not present in population databases (gnomAD no frequency). This premature translational stop signal has been observed in individual(s) with paroxysmal kinesigenic dyskinesia (PMID: 26384010). This variant is also known as c.insT27 (p.Ser9*). ClinVar contains an entry for this variant (Variation ID: 871888). For these reasons, this variant has been classified as Pathogenic.

CeGaT Center for Human Genetics Tuebingen
Classification: Pathogenic. Last evaluated: 2017-01-01. Review status: criteria provided, single submitter. Criteria: CeGaT Center For Human Genetics Tuebingen Variant Classification Criteria Version 2. Collection method: clinical testing. Allele origin: germline. Affected: yes. Observed: 1 variant allele.

Literature cited by the submitters: PubMed 22623405 (cited by Labcorp Genetics (formerly Invitae), Labcorp); PubMed 22744660 (cited by Labcorp Genetics (formerly Invitae), Labcorp); PubMed 26384010 (cited by Labcorp Genetics (formerly Invitae), Labcorp).

NM_145239.3(PRRT2):c.27dup (p.Glu10Ter)

Genes: MVP-DT (MVP divergent transcript; minus strand), PRRT2 (proline rich transmembrane protein 2; plus strand). Cytogenetic location: 16p11.2.
Variant type: Duplication.
Coding change: c.27dup on transcript NM_145239.3 (MANE Select); coding-DNA position 27, one base duplicated (T; older notation c.27dupT).
Protein change: p.Glu10Ter; replaces glutamic acid 10 with a stop codon.
Molecular consequence: nonsense.
Genome position (GRCh38, 1-based): chr16:29,813,081, T duplicated. VCF-style (leftmost placement, unchanged base first): chr16-29813080-C-CT. GRCh37 (hg19) VCF-style: chr16-29824401-C-CT.
Other names: c.27dup, p.Glu10Ter (NM_001256442.2, NM_001256443.2); short protein forms E10*.
Identifiers: ClinVar variation 871888 (VCV000871888.44), dbSNP rs1900057283, ClinGen allele CA1139664638.
Genomic context (GRCh38, chr16:29,813,080, plus strand): 5'-CCCCATAGGGGCTCTCTCCCCTCTCCCATCTCAAGATGGCAGCCAGCAGCTCTGAGATCT[C>CT]TGAGATGAAGGGGGTTGAGGAGAGTCCCAAGGTTCCAGGCGAAGGGCCTGGCCATTCTGA-3'